The following is an entry in ClinVar:

ClinVar aggregate classification (germline): Pathogenic. Review status: criteria provided, multiple submitters, no conflicts (2 of 4 stars). 2 submissions from 2 submitters: Pathogenic (2). Last evaluated 2026-01-27.

Conditions:
Familial hemophagocytic lymphohistiocytosis 3 (FHL3). Also called: UNC13D-Related Familial Hemophagocytic Lymphohistiocytosis (UNC13D-fHLH). Identifiers: Orphanet 540, MedGen C1837174, MONDO:0012146, OMIM 608898.

Submissions (2):

Labcorp Genetics (formerly Invitae), Labcorp
Classification: Pathogenic for Familial hemophagocytic lymphohistiocytosis 3. Last evaluated: 2026-01-27. Review status: criteria provided, single submitter. Criteria: Invitae Variant Classification Sherloc (09022015). Collection method: clinical testing. Allele origin: germline.
Comment: This sequence change creates a premature translational stop signal (p.Tyr61Hisfs*10) in the UNC13D gene. It is expected to result in an absent or disrupted protein product. Loss-of-function variants in UNC13D are known to be pathogenic (PMID: 14622600). This variant is not present in population databases (gnomAD no frequency). This premature translational stop signal has been observed in individual(s) with familial hemophagocytic lymphohistiocytosis (PMID: 16278825). ClinVar contains an entry for this variant (Variation ID: 1074706). Algorithms developed to predict the effect of sequence changes on RNA splicing suggest that this variant may disrupt the consensus splice site. For these reasons, this variant has been classified as Pathogenic.

Genetic Services Laboratory, University of Chicago
Classification: Pathogenic. Last evaluated: 2024-03-04. Review status: criteria provided, single submitter. Criteria: ACMG Guidelines, 2015. Collection method: clinical testing. Allele origin: germline. Affected: yes.
Comment: DNA sequence analysis of the UNC13D gene demonstrated a two base pair deletion in exon 3, c.177_178del. This sequence change results in an amino acid frameshift and creates a premature stop codon 10 amino acids downstream of the change, p.Tyr61Hisfs*10. This sequence change is predicted to result in an abnormal transcript, which may be degraded, or may lead to the production of a truncated UNC13D protein with potentially abnormal function. This sequence change has been described in the gnomAD database with a frequency of 0.0003% in the overall population (dbSNP rs1234936765). This pathogenic sequence change has previously been described in the compound heterozygous state with a second pathogenic sequence change in the UNC13D gene in an individual with primary hemophagocytic lymphohistiocytosis (PMID: 16278825). Loss-of-function variants in UNC13D are known to be pathogenic (PMID: 14622600). These collective evidences indicate that this sequence change is pathogenic.

Literature cited by the submitters: PubMed 14622600 (cited by Labcorp Genetics (formerly Invitae), Labcorp); PubMed 16278825 (cited by Labcorp Genetics (formerly Invitae), Labcorp).

NM_199242.3(UNC13D):c.177_178del (p.Tyr61fs)

Gene: UNC13D (unc-13 homolog D; minus strand). Cytogenetic location: 17q25.1.
Variant type: Deletion.
Coding change: c.177_178del on transcript NM_199242.3 (MANE Select); coding-DNA positions 177 to 178, 2 bases deleted (AC; older notation c.177_178delAC).
Protein change: p.Tyr61fs; shifts the reading frame from tyrosine 61.
Molecular consequence: frameshift variant.
Genome position (GRCh38, 1-based): chr17:75,843,242-75,843,243, GT deleted on the plus strand (AC on the coding strand, the reverse complement: UNC13D is on the minus strand); deleting any 2 consecutive bases within chr17:75,843,242-75,843,244 gives the same sequence; the c. name uses the placement nearest the transcript's 3' end. VCF-style (leftmost placement, unchanged base first): chr17-75843241-AGT-A. GRCh37 (hg19) VCF-style: chr17-73839322-AGT-A.
Other names: c.177_178del (NM_199242.2); short protein forms Y61fs.
Identifiers: ClinVar variation 1074706 (VCV001074706.7), dbSNP rs1234936765, ClinGen allele CA775099811.